The following is an entry in ClinVar:

ClinVar aggregate classification (germline): Pathogenic (1 of 4 stars; one submission).

Submission:

GeneDx
Classification: Pathogenic. Last evaluated: 2020-05-13. Review status: criteria provided, single submitter. Criteria: GeneDx Variant Classification Process June 2021. Collection method: clinical testing. Allele origin: germline. Affected: yes.
Comment: Canonical splice site variant predicted to result in a null allele in a gene for which loss-of-function is a known mechanism of disease; Not observed in large population cohorts (Lek et al., 2016); Has not been previously published as pathogenic or benign to our knowledge

NM_025137.4(SPG11):c.3686+2T>A

Gene: SPG11 (SPG11 vesicle trafficking associated, spatacsin; minus strand). Cytogenetic location: 15q21.1.
Variant type: single nucleotide variant.
Coding change: c.3686+2T>A on transcript NM_025137.4 (MANE Select); the canonical splice donor site of the intron after coding-DNA position 3686, T replaced by A.
Molecular consequence: splice donor variant.
Genome position (GRCh38, 1-based): chr15:44,600,465, A>T on the plus strand (T>A on the coding strand, the complement: SPG11 is on the minus strand). VCF-style: chr15-44600465-A-T. GRCh37 (hg19) VCF-style: chr15-44892663-A-T.
Other names: c.3686+2T>A (NM_001411132.1, NM_001160227.2).
Identifiers: ClinVar variation 504377 (VCV000504377.3), dbSNP rs1555451983, ClinGen allele CA392231011.